The following is an entry in ClinVar:

NM_001754.5(RUNX1):c.806-8C>T

Gene: RUNX1 (RUNX family transcription factor 1; minus strand). Cytogenetic location: 21q22.12.
Variant type: single nucleotide variant.
Coding change: c.806-8C>T on transcript NM_001754.5 (MANE Select); 8 bases into the intron before coding-DNA position 806, C replaced by T.
Molecular consequence: intron variant.
Genome position (GRCh38, 1-based): chr21:34,799,470, G>A on the plus strand (C>T on the coding strand, the complement: RUNX1 is on the minus strand). VCF-style: chr21-34799470-G-A. GRCh37 (hg19) VCF-style: chr21-36171767-G-A.
Other names: c.725-8C>T (NM_001001890.3).
Identifiers: ClinVar variation 1096171 (VCV001096171.10), dbSNP rs1200875659, ClinGen allele CA2499225874.
Genomic context (GRCh38, chr21:34,799,470, plus strand): 5'-TTGGTAGGACTGATCGTAGGACCACGGTGGGGATGGTTGGATCTGCCTTGTATCTGAAGA[G>A]AATCAGAAAGGTCAATTATATGTAAAGTGGGGTGGGATTTAAAAAATGTCTTTTAATAAG-3'

ClinVar aggregate classification (germline): Likely benign. Review status: reviewed by expert panel (3 of 4 stars). 2 submissions from 2 submitters: Likely benign (1). 1 of the submissions does not count toward it. Last evaluated 2024-06-24.

Conditions:
Hereditary thrombocytopenia and hematologic cancer predisposition syndrome. Identifiers: Orphanet 71290, MedGen CN281654, MONDO:0011071.
Hereditary thrombocytopenia and hematological cancer predisposition syndrome associated with RUNX1. Also called: PLATELET DISORDER, ASPIRIN-LIKE; RUNX1 Familial Platelet Disorder with Associated Myeloid Malignancies; Familial Platelet Disorder with Propensity to Acute Myelogenous Leukemia; Familial thrombocytopenia with propensity to acute myelogenous leukemia. Identifiers: Orphanet 71290, MedGen C1832388, MeSH C563324, MONDO:0100083, OMIM 601399.

Submissions (2):

ClinGen Myeloid Malignancy Variant Curation Expert Panel
Classification: Likely benign for Hereditary thrombocytopenia and hematologic cancer predisposition syndrome. Last evaluated: 2024-06-24. Review status: reviewed by expert panel. Criteria: ClinGen MyeloMalig ACMG Specifications v2. Collection method: curation. Allele origin: germline. Inheritance: Autosomal dominant inheritance.
Comment: This synonymous/intronic/UTR/frameshift variant has a SpliceAI score ≤ 0.20 (0.00) (BP4). Evolutionary conservation prediction algorithms predict the site as not being conserved (PhyloP score 1.12< 2.0) (BP7). Variant is not present in population databases (gnomAD v2.1 or v3.1.2) (PM2_supporting). In summary, this variant meets criteria to be classified as likely benign. ACMG/AMP criteria applied, as specified by the Myeloid Malignancy Variant Curation Expert Panel for RUNX1: BP4, BP7, PM2_supporting.

Labcorp Genetics (formerly Invitae), Labcorp
Classification: Likely benign for Hereditary thrombocytopenia and hematological cancer predisposition syndrome associated with RUNX1. Last evaluated: 2022-07-19. Review status: criteria provided, single submitter. Criteria: Invitae Variant Classification Sherloc (09022015). Collection method: clinical testing. Allele origin: germline. Not counted in ClinVar's aggregate classification.